The following is an entry in ClinVar:

ClinVar aggregate classification (germline): Uncertain significance. Review status: reviewed by expert panel (3 of 4 stars). 4 submissions from 4 submitters: Uncertain significance (1). 3 of the submissions do not count toward it. Last evaluated 2024-07-25.

Conditions:
Hereditary thrombocytopenia and hematologic cancer predisposition syndrome. Identifiers: Orphanet 71290, MedGen CN281654, MONDO:0011071.
Inborn genetic diseases. Identifiers: MedGen C0950123, MeSH D030342.
Hereditary thrombocytopenia and hematological cancer predisposition syndrome associated with RUNX1. Also called: PLATELET DISORDER, ASPIRIN-LIKE; Familial Platelet Disorder with Propensity to Acute Myelogenous Leukemia; Familial thrombocytopenia with propensity to acute myelogenous leukemia; RUNX1 Familial Platelet Disorder with Associated Myeloid Malignancies. Identifiers: Orphanet 71290, MedGen C1832388, MeSH C563324, MONDO:0100083, OMIM 601399.

Submissions (4):

ClinGen Myeloid Malignancy Variant Curation Expert Panel
Classification: Uncertain significance for Hereditary thrombocytopenia and hematologic cancer predisposition syndrome. Last evaluated: 2024-07-25. Review status: reviewed by expert panel. Criteria: ClinGen MyeloMalig ACMG Specifications v2. Collection method: curation. Allele origin: germline. Inheritance: Autosomal dominant inheritance.
Comment: NM_001754.5(RUNX1):c.968C>T (p.Thr323Met) is a missense variant located in exon 9. Although absent in gnomAD v3.1.2, the variant has been found in one individual in gnomAD v2.1.1 (MAF: 0.000005414). This missense variant has a REVEL score <0.50 (0.074) and SpliceAI ∆ scores ≤ 0.20 (0.00) (BP4). Furthermore, this variant affects amino acid 323, which is outside the RHD or residues 89-204. To our knowledge, there is no previous record of this variant, and no other pathogenic or likely pathogenic missense variants affecting the same amino acid residue or resulting in the same residue have been reported. However, the RUNX1 p.Thr323Ala variant has been validated as germline in a pediatric patient with B-ALL, despite being classified as likely benign (PMID: 34166225). In summary, the clinical significance of this variant is uncertain, and it meets ACMG/AMP criteria as specified by the Myeloid Malignancy Variant Curation Expert Panel for RUNX1: BP4.

Ambry Genetics
Classification: Uncertain significance for Inborn genetic diseases. Last evaluated: 2025-02-22. Review status: criteria provided, single submitter. Criteria: Ambry Variant Classification Scheme 2023. Collection method: clinical testing. Allele origin: germline. Not counted in ClinVar's aggregate classification.
Comment: The p.T323M variant (also known as c.968C>T) is located in coding exon 8 of the RUNX1 gene. The threonine at codon 323 is replaced by methionine, an amino acid with similar properties. This change occurs in the first base pair of coding exon 8. This amino acid position is conserved. In addition, this alteration is predicted to be tolerated by in silico analysis. Based on the available evidence, the clinical significance of this variant remains unclear.

Labcorp Genetics (formerly Invitae), Labcorp
Classification: Uncertain significance for Hereditary thrombocytopenia and hematological cancer predisposition syndrome associated with RUNX1. Last evaluated: 2022-01-28. Review status: criteria provided, single submitter. Criteria: Invitae Variant Classification Sherloc (09022015). Collection method: clinical testing. Allele origin: germline. Not counted in ClinVar's aggregate classification.
Comment: In summary, the available evidence is currently insufficient to determine the role of this variant in disease. Therefore, it has been classified as a Variant of Uncertain Significance. Algorithms developed to predict the effect of missense changes on protein structure and function are either unavailable or do not agree on the potential impact of this missense change (SIFT: "Tolerated"; PolyPhen-2: "Possibly Damaging"; Align-GVGD: "Class C0"). ClinVar contains an entry for this variant (Variation ID: 839213). This variant has not been reported in the literature in individuals affected with RUNX1-related conditions. The frequency data for this variant in the population databases is considered unreliable, as metrics indicate poor data quality at this position in the gnomAD database. This sequence change replaces threonine, which is neutral and polar, with methionine, which is neutral and non-polar, at codon 323 of the RUNX1 protein (p.Thr323Met).

Genetic Services Laboratory, University of Chicago
Classification: Uncertain significance. Last evaluated: 2020-09-09. Review status: criteria provided, single submitter. Criteria: ACMG Guidelines, 2015. Collection method: clinical testing. Allele origin: germline. Affected: no. Not counted in ClinVar's aggregate classification.
Comment: DNA sequence analysis of the RUNX1 gene demonstrated a sequence change, c.968C>T, in exon 9 that results in an amino acid change, p.Thr323Met. This sequence change does not appear to have been previously described in patients with RUNX1-related disorders and has been described in the gnomAD database in one individual with a low overall population frequency of 0.0005% (dbSNP rs1039736738). The p.Thr323Met change affects a moderately conserved amino acid residue located in a domain of the RUNX1 protein that is known to be functional. In-silico pathogenicity prediction tools (SIFT, PolyPhen2, Align GVGD, REVEL) provide contradictory results for the p.Thr323Met substitution. Due to these contrasting evidences and the lack of functional studies, the clinical significance of the p.Thr323Met change remains unknown at this time.

NM_001754.5(RUNX1):c.968C>T (p.Thr323Met)

Gene: RUNX1 (RUNX family transcription factor 1; minus strand). Cytogenetic location: 21q22.12.
Variant type: single nucleotide variant.
Coding change: c.968C>T on transcript NM_001754.5 (MANE Select); coding-DNA position 968, C replaced by T.
Protein change: p.Thr323Met; replaces threonine 323 with methionine.
Molecular consequence: missense variant.
Genome position (GRCh38, 1-based): chr21:34,792,610, G>A on the plus strand (C>T on the coding strand, the complement: RUNX1 is on the minus strand). VCF-style: chr21-34792610-G-A. GRCh37 (hg19) VCF-style: chr21-36164907-G-A.
Other names: NM_001754.5(RUNX1):c.968C>T; p.Thr323Met; c.887C>T, p.Thr296Met (NM_001001890.3); short protein forms T296M, T323M.
Identifiers: ClinVar variation 839213 (VCV000839213.15), dbSNP rs1039736738, ClinGen allele CA410148831.